The following is an entry in ClinVar:

ClinVar aggregate classification (germline): Pathogenic. Review status: criteria provided, single submitter (1 of 4 stars). 2 submissions from 2 submitters: Pathogenic (1). 1 of the submissions does not count toward it. Last evaluated 2022-10-03.

Conditions:
Developmental and epileptic encephalopathy, 11 (DEE11). Also called: Early infantile epileptic encephalopathy 11. Identifiers: Orphanet 1934, MedGen C3150987, MONDO:0013388, OMIM 613721.
Seizures, benign familial infantile, 3 (BFIS3). Also called: CONVULSIONS, BENIGN FAMILIAL INFANTILE, 3; Familial neonatal seizures. Identifiers: Orphanet 140927, Orphanet 306, MedGen C1843140, MONDO:0011904, OMIM 607745.
Developmental and epileptic encephalopathy. Identifiers: MedGen C5779964, MONDO:0100620.
West syndrome. Also called: Infantile epileptic spasms syndrome. Identifiers: Orphanet 3451, Orphanet 697160, MedGen C0037769, MONDO:0018097. Disease mechanism: loss of function.

Submissions (3):

Labcorp Genetics (formerly Invitae), Labcorp
Classification: Pathogenic for Seizures, benign familial infantile, 3; Developmental and epileptic encephalopathy, 11. Last evaluated: 2022-10-03. Review status: criteria provided, single submitter. Criteria: Invitae Variant Classification Sherloc (09022015). Collection method: clinical testing. Allele origin: germline.
Comment: For these reasons, this variant has been classified as Pathogenic. Experimental studies have shown that this missense change affects SCN2A function (PMID: 32400968). Advanced modeling of protein sequence and biophysical properties (such as structural, functional, and spatial information, amino acid conservation, physicochemical variation, residue mobility, and thermodynamic stability) performed at Invitae indicates that this missense variant is expected to disrupt SCN2A protein function. ClinVar contains an entry for this variant (Variation ID: 1342682). This missense change has been observed in individual(s) with SCN2A-related conditions (PMID: 30185235, 30776697, 32400968, 32613771). In at least one individual the variant was observed to be de novo. This variant is not present in population databases (gnomAD no frequency). This sequence change replaces isoleucine, which is neutral and non-polar, with threonine, which is neutral and polar, at codon 1571 of the SCN2A protein (p.Ile1571Thr).

Neurology Department, Shenzhen Children's Hospital
Classification: Pathogenic for Early-infantile DEE. Last evaluated: 2022-02-16. Review status: no assertion criteria provided. Collection method: clinical testing. Allele origin: de novo. Affected: yes. Not counted in ClinVar's aggregate classification.

Channelopathy-Associated Epilepsy Research Center
No classification provided (evidence only). Condition: Complex neurodevelopmental disorder. Review status: no classification provided. Collection method: literature only. Allele origin: not applicable. Functional consequence: Normal peak current, Normal slope of activation, Normal slope of fast inactivation, Normal voltage dependence of fast inactivation, Moderate hyperpolarizing shift of voltage dependence of activation, Acceleration of recovery from fast inactivation, Overall gain-of-function. Not counted in ClinVar's aggregate classification.
ClinVar note: "not provided" was previously submitted as the classification for the variant. However, the classification appeared to be based only on an observation of functional data so it was converted to no classification on 2025-07-30.

Literature cited by the submitters: PubMed 32400968 (cited by Labcorp Genetics (formerly Invitae), Labcorp and Channelopathy-Associated Epilepsy Research Center); PubMed 30185235 (cited by Labcorp Genetics (formerly Invitae), Labcorp); PubMed 30776697 (cited by Labcorp Genetics (formerly Invitae), Labcorp); PubMed 32613771 (cited by Labcorp Genetics (formerly Invitae), Labcorp).

NM_001040142.2(SCN2A):c.4712T>C (p.Ile1571Thr)

Gene: SCN2A (sodium voltage-gated channel alpha subunit 2; plus strand). Cytogenetic location: 2q24.3.
Variant type: single nucleotide variant.
Coding change: c.4712T>C on transcript NM_001040142.2 (MANE Select); coding-DNA position 4712, T replaced by C.
Protein change: p.Ile1571Thr; replaces isoleucine 1571 with threonine.
Molecular consequence: missense variant.
Genome position (GRCh38, 1-based): chr2:165,386,906, T>C. VCF-style: chr2-165386906-T-C. GRCh37 (hg19) VCF-style: chr2-166243416-T-C.
Other names: c.4712T>C, p.Ile1571Thr (NM_001040143.2, NM_001371246.1, NM_001371247.1 and 1 more transcripts); short protein forms I1571T.
Identifiers: ClinVar variation 1342682 (VCV001342682.9), dbSNP rs2105398463, ClinGen allele CA349036596.